The following is an entry in ClinVar:

ClinVar aggregate classification (germline): Pathogenic/Likely pathogenic. Review status: criteria provided, multiple submitters, no conflicts (2 of 4 stars). 7 submissions from 7 submitters: Pathogenic (5); Likely pathogenic (1). 1 of the submissions does not count toward it. Last evaluated 2025-02-03.

Conditions:
Charcot-Marie-Tooth disease type 4K. Also called: CHARCOT-MARIE-TOOTH DISEASE, DEMYELINATING, TYPE 4K; CHARCOT-MARIE-TOOTH DISEASE, DEMYELINATING, AUTOSOMAL RECESSIVE, TYPE 4K; CHARCOT-MARIE-TOOTH NEUROPATHY, DEMYELINATING, AUTOSOMAL RECESSIVE, TYPE 4K. Identifiers: Orphanet 391351, MedGen C4225246, MONDO:0014733, OMIM 616684.
Mitochondrial complex IV deficiency, nuclear type 1 (MC4DN1). Also called: Mitochondrial complex IV deficiency; Complex 4 mitochondrial respiratory chain deficiency; Deficiency of mitochondrial respiratory chain complex4; Complex IV deficiency; COX DEFICIENCY. Identifiers: MedGen C5435656, MONDO:0700250, OMIM 220110. Disease mechanism: loss of function.
Mitochondrial disease. Also called: Mitochondrial disorder; Mitochondrial disorders. Identifiers: Orphanet 68380, MedGen C0751651, MeSH D028361, MONDO:0044970.
Leigh syndrome (NULS). Also called: Leigh Disease; Subacute necrotizing encephalopathy; Necrotizing encephalopathy infantile subacute of Leigh; LEIGH SYNDROME, NUCLEAR; Leigh's syndrome; Leigh's necrotizing encephalopathy. Identifiers: Orphanet 506, MedGen C2931891, MONDO:0009723, OMIM 256000.

Allele frequency attached by ClinVar (database versions not stated): gnomAD 0.00004 and 0.00003; TOPMed 0.00005; ExAC 0.00001; gnomAD exomes 0.00001.
gnomAD v4.1: 22 of 1,613,262 alleles (0.0014%); highest among the groups gnomAD compares: African/African-American, 0.0093%; no homozygotes.

Submissions (7):

Labcorp Genetics (formerly Invitae), Labcorp
Classification: Pathogenic for Leigh syndrome. Last evaluated: 2025-02-03. Review status: criteria provided, single submitter. Criteria: Invitae Variant Classification Sherloc (09022015). Collection method: clinical testing. Allele origin: germline.
Comment: This sequence change replaces arginine, which is basic and polar, with tryptophan, which is neutral and slightly polar, at codon 192 of the SURF1 protein (p.Arg192Trp). This variant is present in population databases (rs782190413, gnomAD 0.01%). This missense change has been observed in individual(s) with Charcot-Marie-Tooth disease, type 4 (CMT4) or Leigh syndrome (PMID: 12515039, 19780766, 24027061, 27896082). In at least one individual the data is consistent with being in trans (on the opposite chromosome) from a pathogenic variant. ClinVar contains an entry for this variant (Variation ID: 215235). Invitae Evidence Modeling of protein sequence and biophysical properties (such as structural, functional, and spatial information, amino acid conservation, physicochemical variation, residue mobility, and thermodynamic stability) indicates that this missense variant is expected to disrupt SURF1 protein function with a positive predictive value of 95%. This variant disrupts the p.Arg192 amino acid residue in SURF1. Other variant(s) that disrupt this residue have been observed in individuals with SURF1-related conditions (PMID: 16542579, 23829769), which suggests that this may be a clinically significant amino acid residue. For these reasons, this variant has been classified as Pathogenic.

Fulgent Genetics
Classification: Pathogenic for Mitochondrial complex IV deficiency, nuclear type 1; Charcot-Marie-Tooth disease type 4K. Last evaluated: 2024-03-13. Review status: criteria provided, single submitter. Criteria: ACMG Guidelines, 2015. Collection method: clinical testing. Allele origin: germline.

GeneDx
Classification: Pathogenic. Last evaluated: 2023-05-09. Review status: criteria provided, single submitter. Criteria: GeneDx Variant Classification Process June 2021. Collection method: clinical testing. Allele origin: germline. Affected: yes.
Comment: Not observed at significant frequency in large population cohorts (gnomAD); In silico analysis supports that this missense variant has a deleterious effect on protein structure/function; This variant is associated with the following publications: (PMID: 12515039, 24027061, 27896082, 19780766, 23829769, 16542579, 12943968, 31589614)

Women's Health and Genetics/Laboratory Corporation of America, LabCorp
Classification: Pathogenic for Leigh syndrome. Last evaluated: 2023-04-13. Review status: criteria provided, single submitter. Criteria: LabCorp Variant Classification Summary - May 2015. Collection method: clinical testing. Allele origin: germline.
Comment: Variant summary: SURF1 c.574C>T (p.Arg192Trp) results in a non-conservative amino acid change in the encoded protein sequence. Five of five in-silico tools predict a damaging effect of the variant on protein function. The variant allele was found at a frequency of 1.2e-05 in 249494 control chromosomes (gnomAD). c.574C>T has been reported in the literature in the compound heterozygous state in multiple individuals affected with Leigh Syndrome, including at least one case where it was confirmed to be in trans with a pathogenic variant (e.g Pecina_2003, Piekutowska-Abramczuk_2009, Echaniz-Laguna_2013, Wedatilake_2013, Shimbo_2014). These data indicate that the variant is likely to be associated with disease. Assessment of fibroblast mitochondria from a compound heterozygous patient with the variant (c.574C>T/c.841delCT) showed undetectable Surf1 protein levels and COX activity approximately 20% of normal (Pecina_2003). Additionally, another variant affecting the same amino acid, p.Arg192Gln, has been observed in affected individuals and classified as likely pathogenic by our laboratory, suggesting Arg192 may be important for protein function. Four submitters have provided clinical-significance assessments for this variant to ClinVar after 2014 and all classified the variant as pathogenic (n=3)/likely pathogenic (n=1). Based on the evidence outlined above, the variant was classified as pathogenic.

Illumina Laboratory Services, Illumina
Classification: Pathogenic for Mitochondrial disease. Last evaluated: 2023-02-16. Review status: criteria provided, single submitter. Criteria: ICSLVariantClassificationCriteria RUGD 01 April 2020. Collection method: clinical testing. Allele origin: unknown.
Comment: The SURF1 c.574C>T (p.Arg192Trp) missense variant results in the substitution of arginine at amino acid position 192 with tryptophan. This variant has been reported in at least five individuals with primary mitochondrial disease, in trans with another SURF1 variant (PMID: 19780766; PMID: 23829769; PMID: 24027061; PMID: 27896082). This variant is reported in the Genome Aggregation Database in three alleles at a frequency of 0.000121 in the African/African-American population (version 2.1.1). Multiple lines of computational evidence suggest the variant may have a deleterious effect on the gene or gene product. This variant was identified in trans with a pathogenic variant. Based on the available evidence, the c.574C>T (p.Arg192Trp) variant is classified as pathogenic for primary mitochondrial disease.

Revvity Omics, Revvity
Classification: Likely pathogenic. Last evaluated: 2021-05-28. Review status: criteria provided, single submitter. Criteria: ACMG Guidelines, 2015. Collection method: clinical testing. Allele origin: germline.

OMIM
Classification: Pathogenic for CHARCOT-MARIE-TOOTH DISEASE, DEMYELINATING, TYPE 4K. Last evaluated: 2013-10-22. Review status: no assertion criteria provided. Collection method: literature only. Allele origin: germline. Not counted in ClinVar's aggregate classification.

Literature cited by the submitters: PubMed 12515039 (cited by Labcorp Genetics (formerly Invitae), Labcorp); PubMed 19780766 (cited by 3 submitters); PubMed 24027061 (cited by 4 submitters); PubMed 27896082 (cited by 3 submitters); PubMed 16542579 (cited by Labcorp Genetics (formerly Invitae), Labcorp); PubMed 23829769 (cited by 3 submitters); PubMed 16326995 (cited by Women's Health and Genetics/Laboratory Corporation of America, LabCorp); PubMed 12943968 (cited by Women's Health and Genetics/Laboratory Corporation of America, LabCorp).

NM_003172.4(SURF1):c.574C>T (p.Arg192Trp)

Gene: SURF1 (SURF1 cytochrome c oxidase assembly factor; minus strand). Cytogenetic location: 9q34.2.
Variant type: single nucleotide variant.
Coding change: c.574C>T on transcript NM_003172.4 (MANE Select); coding-DNA position 574, C replaced by T.
Protein change: p.Arg192Trp; replaces arginine 192 with tryptophan.
Molecular consequence: missense variant.
Genome position (GRCh38, 1-based): chr9:133,352,708, G>A on the plus strand (C>T on the coding strand, the complement: SURF1 is on the minus strand). VCF-style: chr9-133352708-G-A. GRCh37 (hg19) VCF-style: chr9-136219563-G-A.
Other names: c.247C>T, p.Arg83Trp (NM_001280787.1); short protein forms R192W, R83W.
Identifiers: ClinVar variation 215235 (VCV000215235.20), dbSNP rs782190413, ClinGen allele CA215067.